The following is an entry in ClinVar:

NM_004738.5(VAPB):c.465G>A (p.Lys155=)

Gene: VAPB (VAMP associated protein B and C; plus strand). Cytogenetic location: 20q13.32.
Variant type: single nucleotide variant.
Coding change: c.465G>A on transcript NM_004738.5 (MANE Select); coding-DNA position 465, G replaced by A.
Protein change: p.Lys155=; no amino-acid change (lysine 155 retained).
Molecular consequence: synonymous variant. On other transcripts: non-coding transcript variant (1), intron variant (1).
Genome position (GRCh38, 1-based): chr20:58,440,975, G>A. VCF-style: chr20-58440975-G-A. GRCh37 (hg19) VCF-style: chr20-57016031-G-A.
Other names: c.465G>A (NM_004738.4); c.212-3102G>A (NM_001195677.2).
Identifiers: ClinVar variation 1144418 (VCV001144418.12), dbSNP rs779988555, ClinGen allele CA9924264.
Genomic context (GRCh38, chr20:58,440,975, plus strand): 5'-AGAAATAAATAAAATTATATCCACAACTGCATCAAAGACAGAAACACCAATAGTGTCTAA[G>A]TCTCTGAGTTCTTCTTTGGATGACACCGAAGTTAAGAAGGTTATGGAAGAATGTAAGAGG-3'
Protein context (NP_004729.1, residues 145-165): ASKTETPIVS[Lys155=]SLSSSLDDTE

ClinVar aggregate classification (germline): Likely benign. Review status: criteria provided, multiple submitters, no conflicts (2 of 4 stars). 2 submissions from 2 submitters: Likely benign (2). Last evaluated 2025-07-27.

Conditions:
VAPB-related disorder. Also called: VAPB-related condition.
Adult-onset proximal spinal muscular atrophy, autosomal dominant. Also called: Spinal muscular atrophy, late-onset, finkel type; FINKEL LATE-ADULT TYPE SMA. Identifiers: Orphanet 209335, MedGen C1854058, MONDO:0008453, OMIM 182980.
Amyotrophic lateral sclerosis type 8 (ALS8). Identifiers: Orphanet 803, MedGen C1837728, MONDO:0012077, OMIM 608627.

Allele frequency attached by ClinVar (database versions not stated): gnomAD exomes 0.00001 and 0.00006; gnomAD 0.00002 and 0.00003; TOPMed 0.00007; ExAC 0.00009.
gnomAD v4.1: 24 of 1,614,088 alleles (0.0015%); highest among the groups gnomAD compares: East Asian, 0.04%; no homozygotes.

Submissions (2):

Labcorp Genetics (formerly Invitae), Labcorp
Classification: Likely benign for Adult-onset proximal spinal muscular atrophy, autosomal dominant; Amyotrophic lateral sclerosis type 8. Last evaluated: 2025-07-27. Review status: criteria provided, single submitter. Criteria: Invitae Variant Classification Sherloc (09022015). Collection method: clinical testing. Allele origin: germline.

PreventionGenetics, part of Exact Sciences
Classification: Likely benign for VAPB-related condition. Last evaluated: 2025-07-02. Review status: criteria provided, single submitter. Criteria: ACMG Guidelines, 2015. Collection method: clinical testing. Allele origin: germline.
Comment: This variant is classified as likely benign based on ACMG/AMP sequence variant interpretation guidelines (Richards et al. 2015 PMID: 25741868, with internal and published modifications).